The following is an entry in ClinVar:

NM_002691.4(POLD1):c.3120+13G>T

Gene: POLD1 (DNA polymerase delta 1, catalytic subunit; plus strand). Cytogenetic location: 19q13.33.
Variant type: single nucleotide variant.
Coding change: c.3120+13G>T on transcript NM_002691.4 (MANE Select); 13 bases into the intron after coding-DNA position 3120, G replaced by T.
Molecular consequence: intron variant.
Genome position (GRCh38, 1-based): chr19:50,417,110, G>T. VCF-style: chr19-50417110-G-T. GRCh37 (hg19) VCF-style: chr19-50920367-G-T.
Other names: c.3120+13G>T (LRG_785t1, NM_001256849.1); c.3198+13G>T (LRG_785t2, NM_001308632.1).
Identifiers: ClinVar variation 388161 (VCV000388161.8), dbSNP rs746682079, ClinGen allele CA9596754.
Genomic context (GRCh38, chr19:50,417,110, plus strand): 5'-GTGTGTGAGTTCTGCCAGCCCCGGGAGTCTGAGCTGTATCAGAAGGAGGTGAGAGGGCCG[G>T]GAGGTGAGGAGGGGCCAGGTGGGGAGGCGGGGGCGCCCTGCTCAGCCGCTGCCGTCCCCA-3'

ClinVar aggregate classification (germline): Likely benign. Review status: criteria provided, multiple submitters, no conflicts (2 of 4 stars). 2 submissions from 2 submitters: Likely benign (2). Last evaluated 2026-01-19.

Conditions:
POLD1-related polyposis and colorectal cancer syndrome (CRCS10). Also called: Colorectal cancer, susceptibility to, 10; Colorectal cancer 10; COLORECTAL CANCER, SUSCEPTIBILITY TO, ON CHROMOSOME 19q. Identifiers: Orphanet 220460, MedGen C2675481, MONDO:0012953, OMIM 612591.

Allele frequency attached by ClinVar (database versions not stated): gnomAD exomes 0.00001 and 0.00003; ExAC 0.00013; gnomAD 0.00019 and 0.00021; TOPMed 0.00020.
gnomAD v4.1: 43 of 1,565,006 alleles (0.0027%); highest among the groups gnomAD compares: African/African-American, 0.056%; no homozygotes.

Submissions (2):

Labcorp Genetics (formerly Invitae), Labcorp
Classification: Likely benign for POLD1-related polyposis and colorectal cancer syndrome. Last evaluated: 2026-01-19. Review status: criteria provided, single submitter. Criteria: Invitae Variant Classification Sherloc (09022015). Collection method: clinical testing. Allele origin: germline.

GeneDx
Classification: Likely benign. Last evaluated: 2017-02-02. Review status: criteria provided, single submitter. Criteria: GeneDx Variant Classification (06012015). Collection method: clinical testing. Allele origin: germline. Affected: yes.
Comment: This variant is considered likely benign or benign based on one or more of the following criteria: it is a conservative change, it occurs at a poorly conserved position in the protein, it is predicted to be benign by multiple in silico algorithms, and/or has population frequency not consistent with disease.